The following is an entry in ClinVar:

ClinVar aggregate classification (germline): Benign/Likely benign. Review status: criteria provided, multiple submitters, no conflicts (2 of 4 stars). 2 submissions from 2 submitters: Benign (1); Likely benign (1). Last evaluated 2025-03-07.

Conditions:
Hereditary cancer-predisposing syndrome. Also called: Hereditary Cancer Syndrome; Hereditary neoplastic syndrome; Neoplastic Syndromes, Hereditary; Tumor predisposition. Identifiers: Orphanet 140162, MedGen C0027672, MeSH D009386, MONDO:0015356.
Pheochromocytoma/paraganglioma syndrome 5. Also called: Paragangliomas 5; SDHA-Related Hereditary Paraganglioma-Pheochromocytoma Syndrome. Identifiers: Orphanet 29072, MedGen C3279992, MONDO:0013602, OMIM 614165.

Allele frequency attached by ClinVar (database versions not stated): gnomAD exomes below 0.00001; ExAC 0.00001.
gnomAD v4.1: 1 of 1,614,182 alleles (0.000062%); highest among the groups gnomAD compares: Admixed American, 0.0017%; no homozygotes.

Submissions (2):

Myriad Genetics, Inc.
Classification: Benign for Pheochromocytoma/paraganglioma syndrome 5. Last evaluated: 2025-03-07. Review status: criteria provided, single submitter. Criteria: Myriad Autosomal Dominant, Autosomal Recessive and X-Linked Classification Criteria (2023). Collection method: clinical testing. Allele origin: unknown.
Comment: This variant is considered benign. This variant is a silent/synonymous amino acid change and it is not expected to impact splicing.

Ambry Genetics
Classification: Likely benign for Hereditary cancer-predisposing syndrome. Last evaluated: 2021-11-25. Review status: criteria provided, single submitter. Criteria: Ambry Variant Classification Scheme 2023. Collection method: clinical testing. Allele origin: germline.

NM_004168.4(SDHA):c.1017T>G (p.Ser339=)

Gene: SDHA (succinate dehydrogenase complex flavoprotein subunit A; plus strand). Cytogenetic location: 5p15.33.
Variant type: single nucleotide variant.
Coding change: c.1017T>G on transcript NM_004168.4 (MANE Select); coding-DNA position 1017, T replaced by G.
Protein change: p.Ser339=; no amino-acid change (serine 339 retained).
Molecular consequence: synonymous variant.
Genome position (GRCh38, 1-based): chr5:233,598, T>G. VCF-style: chr5-233598-T-G. GRCh37 (hg19) VCF-style: chr5-233713-T-G.
Other names: c.873T>G, p.Ser291= (NM_001294332.2); c.1017T>G, p.Ser339= (NM_001330758.2).
Identifiers: ClinVar variation 1748879 (VCV001748879.3), dbSNP rs752738784, ClinGen allele CA3173066.